The following is an entry in ClinVar:

NM_000455.5(STK11):c.223A>G (p.Arg75Gly)

Gene: STK11 (serine/threonine kinase 11; plus strand). Cytogenetic location: 19p13.3.
Variant type: single nucleotide variant.
Coding change: c.223A>G on transcript NM_000455.5 (MANE Select); coding-DNA position 223, A replaced by G.
Protein change: p.Arg75Gly; replaces arginine 75 with glycine.
Molecular consequence: missense variant.
Genome position (GRCh38, 1-based): chr19:1,207,136, A>G. VCF-style: chr19-1207136-A-G. GRCh37 (hg19) VCF-style: chr19-1207135-A-G.
Other names: short protein forms R75G.
Identifiers: ClinVar variation 820938 (VCV000820938.4), dbSNP rs1599915199, ClinGen allele CA089299.
Genomic context (GRCh38, chr19:1,207,136, plus strand): 5'-CTGGGGGAAGGCTCTTACGGCAAGGTGAAGGAGGTGCTGGACTCGGAGACGCTGTGCAGG[A>G]GGGCCGTCAAGATCCTCAAGAAGAAGAAGTTGCGAAGGATCCCCAACGGGGAGGCCAACG-3'
Protein context (NP_000446.1, residues 65-85): EVLDSETLCR[Arg75Gly]AVKILKKKKL

ClinVar aggregate classification (germline): Uncertain significance (1 of 4 stars; one submission).

Conditions:
Hereditary cancer-predisposing syndrome. Also called: Neoplastic Syndromes, Hereditary; Tumor predisposition; Hereditary Cancer Syndrome; Hereditary neoplastic syndrome. Identifiers: Orphanet 140162, MedGen C0027672, MeSH D009386, MONDO:0015356.

Submission:

Ambry Genetics
Classification: Uncertain significance for Hereditary cancer-predisposing syndrome. Last evaluated: 2019-12-04. Review status: criteria provided, single submitter. Criteria: Ambry Variant Classification Scheme 2023. Collection method: clinical testing. Allele origin: germline.
Comment: The p.R75G variant (also known as c.223A>G), located in coding exon 1 of the STK11 gene, results from an A to G substitution at nucleotide position 223. The arginine at codon 75 is replaced by glycine, an amino acid with dissimilar properties. This amino acid position is highly conserved in available vertebrate species. In addition, the in silico prediction for this alteration is inconclusive. Since supporting evidence is limited at this time, the clinical significance of this alteration remains unclear.